The following is an entry in ClinVar:

NM_000416.3(IFNGR1):c.42G>A (p.Val14=)

Gene: IFNGR1 (interferon gamma receptor 1; minus strand). Cytogenetic location: 6q23.3.
Variant type: single nucleotide variant.
Coding change: c.42G>A on transcript NM_000416.3 (MANE Select); coding-DNA position 42, G replaced by A.
Protein change: p.Val14=; no amino-acid change (valine 14 retained).
Molecular consequence: synonymous variant.
Genome position (GRCh38, 1-based): chr6:137,219,286, C>T on the plus strand (G>A on the coding strand, the complement: IFNGR1 is on the minus strand). VCF-style: chr6-137219286-C-T. GRCh37 (hg19) VCF-style: chr6-137540423-C-T.
Identifiers: ClinVar variation 36374 (VCV000036374.42), dbSNP rs17181471, ClinGen allele CA214019.

ClinVar aggregate classification (germline): Benign/Likely benign. Review status: criteria provided, multiple submitters, no conflicts (2 of 4 stars). 6 submissions from 6 submitters: Benign (3); Likely benign (2). 1 of the submissions does not count toward it. Last evaluated 2026-08-01.

Conditions:
Disseminated atypical mycobacterial infection. Identifiers: MedGen C0694566.
IFNGR1-related disorder. Also called: IFNGR1-related condition.
Interferon gamma receptor deficiency (IFNGRD). Identifiers: MedGen C1112429.
Immunodeficiency 27A (IMD27A). Also called: IMMUNODEFICIENCY 27A, MYCOBACTERIOSIS, AUTOSOMAL RECESSIVE; IFNGR1 DEFICIENCY, AUTOSOMAL RECESSIVE. Identifiers: Orphanet 319569, Orphanet 99898, MedGen C4011949, MONDO:0008856, OMIM 209950.

Allele frequency attached by ClinVar (database versions not stated): 1000 Genomes Project 0.00439; 1000 Genomes Project 30x 0.00453; gnomAD 0.00606 and 0.00633; TOPMed 0.00659; ExAC 0.00722; ESP Exome Variant Server 0.00523; gnomAD exomes 0.00593.
gnomAD v4.1: 15,564 of 1,611,826 alleles (0.97%); highest among the groups gnomAD compares: Non-Finnish European, 1.2%; 114 homozygotes.

Submissions (6):

CeGaT Center for Human Genetics Tuebingen
Classification: Benign. Last evaluated: 2026-08-01. Review status: criteria provided, single submitter. Criteria: CeGaT Center For Human Genetics Tuebingen Variant Classification Criteria Version 2. Collection method: clinical testing. Allele origin: germline. Affected: yes. Observed: 14 variant alleles.
Comment: IFNGR1: BP4, BP7, BS1, BS2

Labcorp Genetics (formerly Invitae), Labcorp
Classification: Benign for Disseminated atypical mycobacterial infection. Last evaluated: 2026-02-02. Review status: criteria provided, single submitter. Criteria: Invitae Variant Classification Sherloc (09022015). Collection method: clinical testing. Allele origin: germline.

Illumina Laboratory Services, Illumina
Classification: Benign for Immunodeficiency 27A. Last evaluated: 2018-01-12. Review status: criteria provided, single submitter. Criteria: ICSL Variant Classification Criteria 13 December 2019. Collection method: clinical testing. Allele origin: germline.
Comment: This variant was observed in the ICSL laboratory as part of a predisposition screen in an ostensibly healthy population. It had not been previously curated by ICSL or reported in the Human Gene Mutation Database (HGMD: prior to June 1st, 2018), and was therefore a candidate for classification through an automated scoring system. Utilizing variant allele frequency, disease prevalence and penetrance estimates, and inheritance mode, an automated score was calculated to assess if this variant is too frequent to cause the disease. Based on the score and internal cut-off values, a variant classified as benign is not then subjected to further curation. The score for this variant resulted in a classification of benign for this disease.

Women's Health and Genetics/Laboratory Corporation of America, LabCorp
Classification: Likely benign for Interferon Gamma Receptor Deficiency. Last evaluated: 2011-08-18. Review status: criteria provided, single submitter. Criteria: LabCorp Variant Classification Summary - May 2015. Collection method: curation, clinical testing. Allele origin: germline. Inheritance: autosomal unknown. Affected: yes.
ClinVar note: Converted during submission from likely benign to Likely benign.

Breakthrough Genomics
Classification: Likely benign. Review status: criteria provided, single submitter. Criteria: ACMG Guidelines, 2015. Collection method: not provided. Allele origin: germline. Inheritance: Autosomal recessive inheritance. Affected: yes.

PreventionGenetics, part of Exact Sciences
Classification: Benign for IFNGR1-related condition. Last evaluated: 2019-07-02. Review status: no assertion criteria provided. Collection method: clinical testing. Allele origin: germline. Not counted in ClinVar's aggregate classification.
Comment: This variant is classified as benign based on ACMG/AMP sequence variant interpretation guidelines (Richards et al. 2015 PMID: 25741868, with internal and published modifications).